The following is an entry in ClinVar:

ClinVar aggregate classification (germline): Uncertain significance (1 of 4 stars; one submission).

Submission:

Labcorp Genetics (formerly Invitae), Labcorp
Classification: Uncertain significance. Last evaluated: 2025-04-19. Review status: criteria provided, single submitter. Criteria: Invitae Variant Classification Sherloc (09022015). Collection method: clinical testing. Allele origin: germline.
Comment: This sequence change replaces serine, which is neutral and polar, with cysteine, which is neutral and slightly polar, at codon 735 of the GPR179 protein (p.Ser735Cys). This variant is not present in population databases (gnomAD no frequency). This variant has not been reported in the literature in individuals affected with GPR179-related conditions. An algorithm developed to predict the effect of missense changes on protein structure and function (PolyPhen-2) suggests that this variant is likely to be disruptive. In summary, the available evidence is currently insufficient to determine the role of this variant in disease. Therefore, it has been classified as a Variant of Uncertain Significance.

NM_001004334.4(GPR179):c.2204C>G (p.Ser735Cys)

Gene: GPR179 (G protein-coupled receptor 179; minus strand). Cytogenetic location: 17q12.
Variant type: single nucleotide variant.
Coding change: c.2204C>G on transcript NM_001004334.4 (MANE Select); coding-DNA position 2204, C replaced by G.
Protein change: p.Ser735Cys; replaces serine 735 with cysteine.
Molecular consequence: missense variant.
Genome position (GRCh38, 1-based): chr17:38,331,365, G>C on the plus strand (C>G on the coding strand, the complement: GPR179 is on the minus strand). VCF-style: chr17-38331365-G-C. GRCh37 (hg19) VCF-style: chr17-36487248-G-C.
Other names: short protein forms S735C.
Identifiers: ClinVar variation 4769991 (VCV004769991.1).
Genomic context (GRCh38, chr17:38,331,365, plus strand): 5'-AGGAGCCGGCGGCGGGAGGAGCCGGGCAGGCTGCCGTGGCCTGGGGATCCTGAGTCCCGG[G>C]AGTGCTGCCTGGCCAGGGCCTCGGGGAATTCCGCCAGGTACCTCATGAAGGAGCGGCCCA-3'
Protein context (NP_001004334.3, residues 725-745): EFPEALARQH[Ser735Cys]RDSGSPGHGS